The following is an entry in ClinVar:

ClinVar aggregate classification (germline): Uncertain significance. Review status: criteria provided, multiple submitters, no conflicts (2 of 4 stars). 6 submissions from 6 submitters: Uncertain significance (5). 1 of the submissions does not count toward it. Last evaluated 2026-04-06.

Conditions:
MKS1-related disorder. Also called: MKS1-related disorders; MKS1-related condition. Identifiers: MedGen CN239382.
Meckel-Gruber syndrome. Also called: DYSENCEPHALIA SPLANCHNOCYSTICA; GRUBER SYNDROME; Dysencephalia splachnocystica. Identifiers: Orphanet 564, MedGen C0265215, MONDO:0018921.
Joubert syndrome. Also called: JOUBERT-BOLTSHAUSER SYNDROME; Familial aplasia of the vermis. Identifiers: Orphanet 475, MedGen C5979921, MONDO:0018772.
Meckel syndrome, type 1 (MKS1). Also called: MECKEL-GRUBER SYNDROME, TYPE 1. Identifiers: Orphanet 564, MedGen C3714506, MONDO:0009571, OMIM 249000.

Allele frequency attached by ClinVar (database versions not stated): ExAC 0.00005; gnomAD 0.00007; TOPMed 0.00007; gnomAD exomes 0.00009 and 0.00017.
gnomAD v4.1: 257 of 1,614,042 alleles (0.016%); highest among the groups gnomAD compares: Non-Finnish European, 0.02%; no homozygotes.

Submissions (6):

PreventionGenetics, part of Exact Sciences
Classification: Uncertain significance for MKS1-related condition. Last evaluated: 2026-04-06. Review status: criteria provided, single submitter. Criteria: ACMG Guidelines, 2015. Collection method: clinical testing. Allele origin: germline.
Comment: The MKS1 c.1298C>T variant is predicted to result in the amino acid substitution p.Thr433Met. To our knowledge, this variant has not been reported in the literature. This variant is reported in 0.016% of alleles in individuals of European (Non-Finnish) descent in gnomAD. At this time, the clinical significance of this variant is uncertain due to the absence of conclusive functional and genetic evidence.

GeneDx
Classification: Uncertain significance. Last evaluated: 2025-06-30. Review status: criteria provided, single submitter. Criteria: GeneDx Variant Classification Process June 2021. Collection method: clinical testing. Allele origin: germline. Affected: yes.
Comment: In silico analysis supports that this missense variant has a deleterious effect on protein structure/function; Has not been previously published as pathogenic or benign to our knowledge

Labcorp Genetics (formerly Invitae), Labcorp
Classification: Uncertain significance for Joubert syndrome; Meckel-Gruber syndrome. Last evaluated: 2022-09-01. Review status: criteria provided, single submitter. Criteria: Invitae Variant Classification Sherloc (09022015). Collection method: clinical testing. Allele origin: germline.
Comment: This sequence change replaces threonine, which is neutral and polar, with methionine, which is neutral and non-polar, at codon 433 of the MKS1 protein (p.Thr433Met). This variant is present in population databases (rs755841031, gnomAD 0.02%). This variant has not been reported in the literature in individuals affected with MKS1-related conditions. ClinVar contains an entry for this variant (Variation ID: 498841). Algorithms developed to predict the effect of missense changes on protein structure and function are either unavailable or do not agree on the potential impact of this missense change (SIFT: "Deleterious"; PolyPhen-2: "Possibly Damaging"; Align-GVGD: "Class C0"). In summary, the available evidence is currently insufficient to determine the role of this variant in disease. Therefore, it has been classified as a Variant of Uncertain Significance.

Genetic Services Laboratory, University of Chicago
Classification: Uncertain significance. Last evaluated: 2020-01-10. Review status: criteria provided, single submitter. Criteria: ACMG Guidelines, 2015. Collection method: clinical testing. Allele origin: germline. Affected: no.

Eurofins Ntd Llc (ga)
Classification: Uncertain significance. Last evaluated: 2016-11-28. Review status: criteria provided, single submitter. Criteria: EGL Classification Definitions 2015. Collection method: clinical testing. Allele origin: germline. Observed: 1 variant allele, 1 heterozygote.

Natera, Inc.
Classification: Uncertain significance for Meckel syndrome type 1. Last evaluated: 2019-10-28. Review status: no assertion criteria provided. Collection method: clinical testing. Allele origin: germline. Not counted in ClinVar's aggregate classification.

NM_017777.4(MKS1):c.1298C>T (p.Thr433Met)

Gene: MKS1 (MKS transition zone complex subunit 1; minus strand). Cytogenetic location: 17q22.
Variant type: single nucleotide variant.
Coding change: c.1298C>T on transcript NM_017777.4 (MANE Select); coding-DNA position 1298, C replaced by T.
Protein change: p.Thr433Met; replaces threonine 433 with methionine.
Molecular consequence: missense variant. On other transcripts: intron variant (1).
Genome position (GRCh38, 1-based): chr17:58,207,194, G>A on the plus strand (C>T on the coding strand, the complement: MKS1 is on the minus strand). VCF-style: chr17-58207194-G-A. GRCh37 (hg19) VCF-style: chr17-56284555-G-A.
Other names: c.689C>T, p.Thr230Met (NM_001321268.2); c.1298C>T, p.Thr433Met (NM_001321269.2); c.1273+700C>T (NM_001330397.2); short protein forms T433M, T230M.
Identifiers: ClinVar variation 498841 (VCV000498841.19), dbSNP rs755841031, ClinGen allele CA8669170.
Genomic context (GRCh38, chr17:58,207,194, plus strand): 5'-GAACCGCCAATGAAAAACCTCCTCAGCTCAGCCACCGTGCCAAGCTCCACAGGTCTCCAC[G>A]TGGAGACTGTCAGGGTGTGTGAGCCTGCGCAAGGGAAGAGAAGACTGGGGCCAGGTCCAG-3'
Protein context (NP_060247.2, residues 423-443): TPGSHTLTVS[Thr433Met]WRPVELGTVA